The following is an entry in ClinVar:

ClinVar aggregate classification (germline): Uncertain significance (1 of 4 stars; one submission).

Submission:

Labcorp Genetics (formerly Invitae), Labcorp
Classification: Uncertain significance. Last evaluated: 2020-06-30. Review status: criteria provided, single submitter. Criteria: Invitae Variant Classification Sherloc (09022015). Collection method: clinical testing. Allele origin: germline.
Comment: This sequence change replaces tyrosine with asparagine at codon 136 of the LMX1B protein (p.Tyr136Asn). The tyrosine residue is highly conserved and there is a large physicochemical difference between tyrosine and asparagine. This variant is not present in population databases (ExAC no frequency). This variant has been observed in individual(s) with nail-patella syndrome (Invitae). Algorithms developed to predict the effect of missense changes on protein structure and function are either unavailable or do not agree on the potential impact of this missense change (SIFT: "Deleterious"; PolyPhen-2: "Probably Damaging"; Align-GVGD: "Class C0"). In summary, the available evidence is currently insufficient to determine the role of this variant in disease. Therefore, it has been classified as a Variant of Uncertain Significance.

NM_001174147.2(LMX1B):c.406T>A (p.Tyr136Asn)

Gene: LMX1B (LIM homeobox transcription factor 1 beta; plus strand). Cytogenetic location: 9q33.3.
Variant type: single nucleotide variant.
Coding change: c.406T>A on transcript NM_001174147.2 (MANE Select); coding-DNA position 406, T replaced by A.
Protein change: p.Tyr136Asn; replaces tyrosine 136 with asparagine.
Molecular consequence: missense variant.
Genome position (GRCh38, 1-based): chr9:126,690,915, T>A. VCF-style: chr9-126690915-T-A. GRCh37 (hg19) VCF-style: chr9-129453194-T-A.
Other names: c.406T>A, p.Tyr136Asn (NM_001174146.2, NM_002316.4); short protein forms Y136N.
Identifiers: ClinVar variation 1004139 (VCV001004139.8), dbSNP rs2030102298, ClinGen allele CA374912321.